The following is an entry in ClinVar:

NM_002907.4(RECQL):c.709G>A (p.Ala237Thr)

Gene: RECQL (RecQ like helicase; minus strand). Cytogenetic location: 12p12.1.
Variant type: single nucleotide variant.
Coding change: c.709G>A on transcript NM_002907.4 (MANE Select); coding-DNA position 709, G replaced by A.
Protein change: p.Ala237Thr; replaces alanine 237 with threonine.
Molecular consequence: missense variant.
Genome position (GRCh38, 1-based): chr12:21,477,961, C>T on the plus strand (G>A on the coding strand, the complement: RECQL is on the minus strand). VCF-style: chr12-21477961-C-T. GRCh37 (hg19) VCF-style: chr12-21630895-C-T.
Other names: c.709G>A, p.Ala237Thr (NM_032941.3); short protein forms A237T.
Identifiers: ClinVar variation 1757141 (VCV001757141.4), dbSNP rs2137351284, ClinGen allele CA384125100.

ClinVar aggregate classification (germline): Uncertain significance (1 of 4 stars; one submission).

Submission:

Ambry Genetics
Classification: Uncertain significance. Last evaluated: 2025-09-28. Review status: criteria provided, single submitter. Criteria: Ambry Variant Classification Scheme 2023. Collection method: clinical testing. Allele origin: germline.
Comment: The p.A237T variant (also known as c.709G>A), located in coding exon 6 of the RECQL gene, results from a G to A substitution at nucleotide position 709. The alanine at codon 237 is replaced by threonine, an amino acid with similar properties. This amino acid position is not well conserved in available vertebrate species. In addition, this alteration is predicted to be tolerated by in silico analysis. Since supporting evidence is limited at this time, the clinical significance of this alteration remains unclear.